The following is an entry in ClinVar:

ClinVar aggregate classification (germline): Uncertain significance. Review status: criteria provided, multiple submitters, no conflicts (2 of 4 stars). 6 submissions from 6 submitters: Uncertain significance (6). Last evaluated 2025-06-22.

Conditions:
Hereditary cancer-predisposing syndrome. Also called: Hereditary neoplastic syndrome; Neoplastic Syndromes, Hereditary; Hereditary Cancer Syndrome; Tumor predisposition. Identifiers: Orphanet 140162, MedGen C0027672, MeSH D009386, MONDO:0015356.
Gastrointestinal stromal tumor. Also called: Gastrointestinal stromal tumor, somatic; Gastrointestinal stroma tumor. Identifiers: Orphanet 44890, MedGen C0238198, MeSH D046152, MONDO:0011719, OMIM 606764, HP:0100723.
Pheochromocytoma. Also called: MAX-Related Hereditary Paraganglioma-Pheochromocytoma Syndrome. Identifiers: Orphanet 29072, MedGen C0031511, MONDO:0008233, OMIM 171300, HP:0002666.
Pheochromocytoma/paraganglioma syndrome 4. Also called: SDHB-Related Hereditary Paraganglioma-Pheochromocytoma Syndrome; PARAGANGLIOMA, FAMILIAL MALIGNANT; PARAGANGLIOMAS, HEREDITARY EXTRAADRENAL; PHEOCHROMOCYTOMA, FAMILIAL EXTRAADRENAL; Paragangliomas 4; CAROTID BODY TUMORS AND MULTIPLE EXTRAADRENAL PHEOCHROMOCYTOMAS. Identifiers: Orphanet 29072, MedGen C1861848, MONDO:0007273, OMIM 115310.
Hereditary pheochromocytoma and paraganglioma. Also called: Hereditary pheochromocytoma-paraganglioma; Hereditary Paraganglioma-Pheochromocytoma Syndromes; Hereditary paragangliomas and pheochromocytomas. Identifiers: Orphanet 29072, MedGen C4274332, MONDO:0017366.

Allele frequency attached by ClinVar (database versions not stated): TOPMed 0.00001; ExAC 0.00002.
gnomAD v4.1: 16 of 1,609,638 alleles (0.00099%); highest among the groups gnomAD compares: Non-Finnish European, 0.0012%; no homozygotes.

Submissions (6):

Labcorp Genetics (formerly Invitae), Labcorp
Classification: Uncertain significance for Gastrointestinal stromal tumor; Pheochromocytoma/paraganglioma syndrome 4; Pheochromocytoma. Last evaluated: 2025-06-22. Review status: criteria provided, single submitter. Criteria: Invitae Variant Classification Sherloc (09022015). Collection method: clinical testing. Allele origin: germline.
Comment: This sequence change replaces alanine, which is neutral and non-polar, with valine, which is neutral and non-polar, at codon 2 of the SDHB protein (p.Ala2Val). The frequency data for this variant in the population databases is considered unreliable, as metrics indicate poor data quality at this position in the gnomAD database. This variant has not been reported in the literature in individuals affected with SDHB-related conditions. ClinVar contains an entry for this variant (Variation ID: 528745). Invitae Evidence Modeling of protein sequence and biophysical properties (such as structural, functional, and spatial information, amino acid conservation, physicochemical variation, residue mobility, and thermodynamic stability) has been performed for this missense variant. However, the output from this modeling did not meet the statistical confidence thresholds required to predict the impact of this variant on SDHB protein function. In summary, the available evidence is currently insufficient to determine the role of this variant in disease. Therefore, it has been classified as a Variant of Uncertain Significance.

Center for Genomic Medicine, Rigshospitalet, Copenhagen University Hospital
Classification: Uncertain significance. Last evaluated: 2025-03-04. Review status: criteria provided, single submitter. Criteria: ACMG Guidelines, 2015. Collection method: clinical testing. Allele origin: germline.

Quest Diagnostics Nichols Institute San Juan Capistrano
Classification: Uncertain significance. Last evaluated: 2024-03-11. Review status: criteria provided, single submitter. Criteria: Quest Diagnostics criteria. Collection method: clinical testing. Allele origin: unknown.

Baylor Genetics
Classification: Uncertain significance for Gastrointestinal stromal tumor. Last evaluated: 2023-12-19. Review status: criteria provided, single submitter. Criteria: ACMG Guidelines, 2015. Collection method: clinical testing. Allele origin: unknown.

Ambry Genetics
Classification: Uncertain significance for Hereditary cancer-predisposing syndrome. Last evaluated: 2023-11-13. Review status: criteria provided, single submitter. Criteria: Ambry Variant Classification Scheme 2023. Collection method: clinical testing. Allele origin: germline.
Comment: The p.A2V variant (also known as c.5C>T), located in coding exon 1 of the SDHB gene, results from a C to T substitution at nucleotide position 5. The alanine at codon 2 is replaced by valine, an amino acid with similar properties. The family history included an aunt with Cushing's disease; however, there was no known family history of paraganglioma or pheochromocytoma (De Sousa SMC et al. Eur J Endocrinol, 2017 May;176:635-644). This amino acid position is highly conserved in available vertebrate species. In addition, the in silico prediction for this alteration is inconclusive. Since supporting evidence is limited at this time, the clinical significance of this alteration remains unclear.

All of Us Research Program, National Institutes of Health
Classification: Uncertain significance for Hereditary pheochromocytoma and paraganglioma. Last evaluated: 2023-06-26. Review status: criteria provided, single submitter. Criteria: ACMG Guidelines, 2015. Collection method: clinical testing. Allele origin: germline. Inheritance: Autosomal dominant inheritance. Observed: 1 variant allele, 1 heterozygote.
Comment: This missense variant replaces alanine with valine at codon 2 of the SDHB protein. Computational prediction is inconclusive regarding the impact of this variant on protein structure and function (internally defined REVEL score threshold 0.5 < inconclusive < 0.7, PMID: 27666373). To our knowledge, functional studies have not been reported for this variant. This variant has been reported in individuals affected with hereditary pituitary adenoma syndrome (PMID: 28220018). This variant has not been identified in the general population by the Genome Aggregation Database (gnomAD). The available evidence is insufficient to determine the role of this variant in disease conclusively. Therefore, this variant is classified as a Variant of Uncertain Significance.

This study involves interpretation of variants in research participants for the purpose of population health screening. Participant phenotype was not available at the time of variant classification. Additional details can be found in publication PMID: 35346344, PMCID: PMC8962531

Literature cited by the submitters: PubMed 28220018 (cited by 4 submitters).

NM_003000.3(SDHB):c.5C>T (p.Ala2Val)

Gene: SDHB (succinate dehydrogenase complex iron sulfur subunit B; minus strand). Cytogenetic location: 1p36.13.
Variant type: single nucleotide variant.
Coding change: c.5C>T on transcript NM_003000.3 (MANE Select); coding-DNA position 5, C replaced by T.
Protein change: p.Ala2Val; replaces alanine 2 with valine.
Molecular consequence: missense variant.
Genome position (GRCh38, 1-based): chr1:17,054,015, G>A on the plus strand (C>T on the coding strand, the complement: SDHB is on the minus strand). VCF-style: chr1-17054015-G-A. GRCh37 (hg19) VCF-style: chr1-17380510-G-A.
Other names: short protein forms A2V.
Identifiers: ClinVar variation 528745 (VCV000528745.20), dbSNP rs199948437, ClinGen allele CA089676.
Genomic context (GRCh38, chr1:17,054,015, plus strand): 5'-CAGGCTCCGCCAAGGGTTGTGGCCGGCAACCGGCGCCTCAAGGAGAGGGCGACCACCGCC[G>A]CCATCTTGGCTCCTGACGTCAGCCCCACCCCTTAACCCCGAGGTCGCTCTCCGCCGGTGT-3'
Protein context (NP_002991.2, residues 1-12): M[Ala2Val]AVVALSLRRR